The following is an entry in ClinVar:

ClinVar aggregate classification (germline): Uncertain significance. Review status: criteria provided, multiple submitters, no conflicts (2 of 4 stars). 2 submissions from 2 submitters: Uncertain significance (2). Last evaluated 2026-03-11.

Conditions:
Inborn genetic diseases. Identifiers: MedGen C0950123, MeSH D030342.

Allele frequency attached by ClinVar (database versions not stated): TOPMed below 0.00001; gnomAD 0.00001; ExAC 0.00002.
gnomAD v4.1: 28 of 1,612,202 alleles (0.0017%); highest among the groups gnomAD compares: East Asian, 0.011%; no homozygotes.

Submissions (2):

Ambry Genetics
Classification: Uncertain significance for Inborn genetic diseases. Last evaluated: 2026-03-11. Review status: criteria provided, single submitter. Criteria: Ambry Variant Classification Scheme 2023. Collection method: clinical testing. Allele origin: germline.

Labcorp Genetics (formerly Invitae), Labcorp
Classification: Uncertain significance. Last evaluated: 2022-08-09. Review status: criteria provided, single submitter. Criteria: Invitae Variant Classification Sherloc (09022015). Collection method: clinical testing. Allele origin: germline.
Comment: In summary, the available evidence is currently insufficient to determine the role of this variant in disease. Therefore, it has been classified as a Variant of Uncertain Significance. Algorithms developed to predict the effect of missense changes on protein structure and function (SIFT, PolyPhen-2, Align-GVGD) all suggest that this variant is likely to be tolerated. This variant has not been reported in the literature in individuals affected with LAMA1-related conditions. This variant is present in population databases (rs764502367, gnomAD 0.003%). This sequence change replaces proline, which is neutral and non-polar, with leucine, which is neutral and non-polar, at codon 1149 of the LAMA1 protein (p.Pro1149Leu).

NM_005559.4(LAMA1):c.3446C>T (p.Pro1149Leu)

Gene: LAMA1 (laminin subunit alpha 1; minus strand). Cytogenetic location: 18p11.31.
Variant type: single nucleotide variant.
Coding change: c.3446C>T on transcript NM_005559.4 (MANE Select); coding-DNA position 3446, C replaced by T.
Protein change: p.Pro1149Leu; replaces proline 1149 with leucine.
Molecular consequence: missense variant.
Genome position (GRCh38, 1-based): chr18:7,012,056, G>A on the plus strand (C>T on the coding strand, the complement: LAMA1 is on the minus strand). VCF-style: chr18-7012056-G-A. GRCh37 (hg19) VCF-style: chr18-7012055-G-A.
Other names: c.3446C>T (NM_005559.3); short protein forms P1149L.
Identifiers: ClinVar variation 1899037 (VCV001899037.7), dbSNP rs764502367, ClinGen allele CA8882286.